The following is an entry in ClinVar:

NM_000052.7(ATP7A):c.4352del (p.Gly1451fs)

Gene: ATP7A (ATPase copper transporting alpha; plus strand). Cytogenetic location: Xq21.1.
Variant type: Deletion.
Coding change: c.4352del on transcript NM_000052.7 (MANE Select); coding-DNA position 4352, one base deleted (G; older notation c.4352delG).
Protein change: p.Gly1451fs; shifts the reading frame from glycine 1451.
Molecular consequence: frameshift variant. On other transcripts: non-coding transcript variant (1).
Genome position (GRCh38, 1-based): chrX:78,046,419, G deleted; the last of 3 consecutive G bases (chrX:78,046,417-78,046,419); deleting any one gives the same sequence. VCF-style (leftmost placement, unchanged base first): chrX-78046416-TG-T. GRCh37 (hg19) VCF-style: chrX-77301913-TG-T.
Other names: c.4118del, p.Gly1373fs (NM_001282224.2); short protein forms G1373fs, G1451fs.
Identifiers: ClinVar variation 11787 (VCV000011787.3), dbSNP rs1569550376, ClinGen allele CA891844239.
Genomic context (GRCh38, chrX:78,046,416, plus strand): 5'-GTCCTTCAGAAATCAGCGTTCATGTTGGAATAGATGATACCTCAAGGAATTCTCCTAAAC[TG>T]GGTTTGCTGGACCGGATTGTTAATTATAGCAGAGCCTCTATAAACTCACTACTGTCTGAT-3'

ClinVar aggregate classification (germline): Uncertain significance. Review status: criteria provided, single submitter (1 of 4 stars). 3 submissions from 3 submitters: Uncertain significance (1). 2 of the submissions do not count toward it. Last evaluated 2025-04-21.

Conditions:
Menkes kinky-hair syndrome (MNK). Also called: Menkes Disease; Copper transport disease; Classic Menkes Disease. Identifiers: Orphanet 565, MedGen C0022716, MONDO:0010651, OMIM 309400.
X-linked distal spinal muscular atrophy type 3. Also called: NEURONOPATHY, DISTAL HEREDITARY MOTOR, X-LINKED; NEUROPATHY, DISTAL HEREDITARY MOTOR, X-LINKED; ATP7A-Related Distal Motor Neuropathy; SPINAL MUSCULAR ATROPHY, DISTAL, X-LINKED RECESSIVE. Identifiers: Orphanet 139557, MedGen C1845359, MONDO:0010338, OMIM 300489.
Cutis laxa, X-linked (OHS). Also called: EDS IX; Occipital horn syndrome. Identifiers: Orphanet 198, MedGen C0268353, MONDO:0010572, OMIM 304150.

Submissions (3):

Labcorp Genetics (formerly Invitae), Labcorp
Classification: Uncertain significance for X-linked distal spinal muscular atrophy type 3; Cutis laxa, X-linked; Menkes kinky-hair syndrome. Last evaluated: 2025-04-21. Review status: criteria provided, single submitter. Criteria: Invitae Variant Classification Sherloc (09022015). Collection method: clinical testing. Allele origin: germline.
Comment: This sequence change creates a premature translational stop signal (p.Gly1451Valfs*14) in the ATP7A gene. While this is not anticipated to result in nonsense mediated decay, it is expected to disrupt the last 50 amino acid(s) of the ATP7A protein. This variant is not present in population databases (gnomAD no frequency). This premature translational stop signal has been observed in individual(s) with occipital horn syndrome (PMID: 11431706). This variant is also known as 4497–4499delG. ClinVar contains an entry for this variant (Variation ID: 11787). Studies have shown that this premature translational stop signal alters ATP7A gene expression (PMID: 11431706). Algorithms developed to predict the effect of sequence changes on RNA splicing suggest that this variant may disrupt the consensus splice site. In summary, the available evidence is currently insufficient to determine the role of this variant in disease. Therefore, it has been classified as a Variant of Uncertain Significance.

Inherited Neuropathy Consortium Ii, University Of Miami
Classification: Uncertain significance for Cutis laxa, X-linked. Last evaluated: 2016-01-06. Review status: no assertion criteria provided. Collection method: literature only. Allele origin: germline. Affected: yes. Not counted in ClinVar's aggregate classification.

OMIM
Classification: Pathogenic for OCCIPITAL HORN SYNDROME. Last evaluated: 2001-08-01. Review status: no assertion criteria provided. Collection method: literature only. Allele origin: germline. Not counted in ClinVar's aggregate classification.

Literature cited by the submitters: PubMed 11431706 (cited by Labcorp Genetics (formerly Invitae), Labcorp and OMIM); PubMed 21494555 (cited by Inherited Neuropathy Consortium Ii, University Of Miami).